The following is an entry in ClinVar:

NM_014363.6(SACS):c.11431_11432dup (p.Val3811_Val3812insTer)

Gene: SACS (sacsin molecular chaperone; minus strand). Cytogenetic location: 13q12.12.
Variant type: Duplication.
Coding change: c.11431_11432dup on transcript NM_014363.6 (MANE Select); coding-DNA positions 11431 to 11432, 2 bases duplicated (GT; older notation c.11431_11432dupGT).
Protein change: p.Val3811_Val3812insTer.
Molecular consequence: frameshift variant.
Genome position (GRCh38, 1-based): chr13:23,332,444-23,332,445, AC duplicated on the plus strand (GT on the coding strand, the reverse complement: SACS is on the minus strand). VCF-style (leftmost placement, unchanged base first): chr13-23332443-T-TAC. GRCh37 (hg19) VCF-style: chr13-23906582-T-TAC.
Other names: c.10990_10991dup, p.Val3664_Val3665insTer (NM_001278055.2); c.11458_11459dup, p.Val3820_Val3821insTer (NM_001437336.1).
Identifiers: ClinVar variation 5004119 (VCV005004119.1).

ClinVar aggregate classification (germline): Pathogenic (1 of 4 stars; one submission).

Conditions:
Charlevoix-Saguenay spastic ataxia (SACS). Also called: SPASTIC ATAXIA 6, AUTOSOMAL RECESSIVE; AUTOSOMAL RECESSIVE SPASTIC ATAXIA OF CHARLEVOIX-SAGUENAY; Spastic ataxia of Charlevoix-Saguenay. Identifiers: Orphanet 98, MedGen C1849140, MONDO:0010041, OMIM 270550.

Submission:

Myriad Genetics, Inc.
Classification: Pathogenic for Charlevoix-Saguenay spastic ataxia. Last evaluated: 2025-08-11. Review status: criteria provided, single submitter. Criteria: Myriad Autosomal Dominant, Autosomal Recessive and X-Linked Classification Criteria (2023). Collection method: clinical testing. Allele origin: unknown.
Comment: NM_014363.4(SACS):c.11431_11432dupGT(V3812*) is a nonsense variant classified as pathogenic in the context of autosomal recessive spastic ataxia of Charlevoix-Saguenay. V3812* has not been observed in cases with relevant disease. Relevant functional assessments of this variant are not available in the literature. V3812* has not been observed in referenced population frequency databases. In summary, NM_014363.4(SACS):c.11431_11432dupGT(V3812*) is a nonsense variant in a gene where loss of function is a known mechanism of disease and is predicted to disrupt protein function. Please note: this variant was assessed in the context of healthy population screening.